The following is an entry in ClinVar:

ClinVar aggregate classification (germline): Uncertain significance (1 of 4 stars; one submission).

Allele frequency attached by ClinVar (database versions not stated): ExAC 0.00001.
gnomAD v4.1: 27 of 1,614,026 alleles (0.0017%); highest among the groups gnomAD compares: Middle Eastern, 0.033%; no homozygotes.

Submission:

GeneDx
Classification: Uncertain significance. Last evaluated: 2022-10-27. Review status: criteria provided, single submitter. Criteria: GeneDx Variant Classification Process June 2021. Collection method: clinical testing. Allele origin: germline. Affected: yes.
Comment: Not observed at significant frequency in large population cohorts (gnomAD); In silico analysis supports that this missense variant does not alter protein structure/function; Has not been previously published as pathogenic or benign to our knowledge

NM_016239.4(MYO15A):c.10228G>A (p.Ala3410Thr)

Gene: MYO15A (myosin XVA; plus strand). Cytogenetic location: 17p11.2.
Variant type: single nucleotide variant.
Coding change: c.10228G>A on transcript NM_016239.4 (MANE Select); coding-DNA position 10228, G replaced by A.
Protein change: p.Ala3410Thr; replaces alanine 3410 with threonine.
Molecular consequence: missense variant.
Genome position (GRCh38, 1-based): chr17:18,172,168, G>A. VCF-style: chr17-18172168-G-A. GRCh37 (hg19) VCF-style: chr17-18075482-G-A.
Other names: short protein forms A3410T.
Identifiers: ClinVar variation 2500685 (VCV002500685.1), dbSNP rs755643067, ClinGen allele CA8425854.